The following is an entry in ClinVar:

NC_000003.11:g.(?_48895143)_(48897080_?)del

Gene: SLC25A20 (solute carrier family 25 member 20; minus strand). Cytogenetic location: 3p21.31.
Variant type: Deletion.
Identifiers: ClinVar variation 3246865 (VCV003246865.1).

ClinVar aggregate classification (germline): Pathogenic (1 of 4 stars; one submission).

Conditions:
Carnitine acylcarnitine translocase deficiency (CACTD). Identifiers: Orphanet 159, MedGen C0342791, MONDO:0008918, OMIM 212138.

Submission:

Labcorp Genetics (formerly Invitae), Labcorp
Classification: Pathogenic for Carnitine acylcarnitine translocase deficiency. Last evaluated: 2023-08-08. Review status: criteria provided, single submitter. Criteria: Invitae Variant Classification Sherloc (09022015). Collection method: clinical testing. Allele origin: unknown.
Comment: This variant is a gross deletion of the genomic region encompassing exon(s) 6-9 of the SLC25A20 gene, which includes the termination codon. This deletion extends beyond the assayed region for this gene and therefore may encompass additional genes. While this deletion is not anticipated to lead to nonsense mediated decay, it is expected to alter mRNA translation or result in a truncated protein product. This variant has not been reported in the literature in individuals affected with SLC25A20-related conditions. This variant disrupts a region of the SLC25A20 protein in which other variant(s) (p.Arg275Gln) have been determined to be pathogenic (PMID: 32337051). This suggests that this is a clinically significant region of the protein, and that variants that disrupt it are likely to be disease-causing. For these reasons, this variant has been classified as Pathogenic.

Literature cited by the submitters: PubMed 32337051.